The following is an entry in ClinVar:

ClinVar aggregate classification (germline): Pathogenic (1 of 4 stars; one submission).

Submission:

Labcorp Genetics (formerly Invitae), Labcorp
Classification: Pathogenic. Last evaluated: 2025-12-23. Review status: criteria provided, single submitter. Criteria: Invitae Variant Classification Sherloc (09022015). Collection method: clinical testing. Allele origin: germline.
Comment: This sequence change creates a premature translational stop signal (p.Glu761Lysfs*10) in the LCT gene. It is expected to result in an absent or disrupted protein product. Loss-of-function variants in LCT are known to be pathogenic (PMID: 16400612, 25881162). This variant is not present in population databases (gnomAD no frequency). This variant has not been reported in the literature in individuals affected with LCT-related conditions. For these reasons, this variant has been classified as Pathogenic.

Literature cited by the submitters: PubMed 16400612; PubMed 25881162.

NM_002299.4(LCT):c.2281del (p.Glu761fs)

Gene: LCT (lactase; minus strand). Cytogenetic location: 2q21.3.
Variant type: Deletion.
Coding change: c.2281del on transcript NM_002299.4 (MANE Select); coding-DNA position 2281, one base deleted (G; older notation c.2281delG).
Protein change: p.Glu761fs; shifts the reading frame from glutamic acid 761.
Molecular consequence: frameshift variant.
Genome position (GRCh38, 1-based): chr2:135,812,383, C deleted on the plus strand (G on the coding strand, the reverse complement: LCT is on the minus strand); the first of 4 consecutive C bases (chr2:135,812,383-135,812,386); deleting any one gives the same sequence. VCF-style (leftmost placement, unchanged base first): chr2-135812382-TC-T. GRCh37 (hg19) VCF-style: chr2-136569952-TC-T.
Other names: short protein forms E761fs.
Identifiers: ClinVar variation 4734040 (VCV004734040.1).